The following is an entry in ClinVar:

NM_000545.8(HNF1A):c.955+94T>G

Gene: HNF1A (HNF1 homeobox A; plus strand). Cytogenetic location: 12q24.31.
Variant type: single nucleotide variant.
Coding change: c.955+94T>G on transcript NM_000545.8 (MANE Select); 94 bases into the intron after coding-DNA position 955, T replaced by G.
Molecular consequence: intron variant.
Genome position (GRCh38, 1-based): chr12:120,994,499, T>G. VCF-style: chr12-120994499-T-G. GRCh37 (hg19) VCF-style: chr12-121432302-T-G.
Other names: NC_000012.11:g.121432302T>G; c.955+94T>G (NM_001306179.2).
Identifiers: ClinVar variation 676860 (VCV000676860.3), dbSNP rs1169302, ClinGen allele CA13697992.

ClinVar aggregate classification (germline): Benign. Review status: criteria provided, multiple submitters, no conflicts (2 of 4 stars). 2 submissions from 2 submitters: Benign (2). Last evaluated 2018-06-14.

Allele frequency attached by ClinVar (database versions not stated): gnomAD 0.41391; 1000 Genomes Project 0.47324; TOPMed 0.39941; 1000 Genomes Project 30x 0.46502.
gnomAD v4.1: 620,354 of 1,404,666 alleles (44%); highest among the groups gnomAD compares: East Asian, 70%; 140,069 homozygotes.

Submissions (7):

GeneDx
Classification: Benign. Last evaluated: 2018-06-14. Review status: criteria provided, single submitter. Criteria: GeneDx Variant Classification (06012015). Collection method: clinical testing. Allele origin: germline. Affected: yes.
Comment: This variant is considered likely benign or benign based on one or more of the following criteria: it is a conservative change, it occurs at a poorly conserved position in the protein, it is predicted to be benign by multiple in silico algorithms, and/or has population frequency not consistent with disease.

Breakthrough Genomics
Classification: Benign. Review status: criteria provided, single submitter. Criteria: ACMG Guidelines, 2015. Collection method: not provided. Allele origin: germline. Inheritance: Autosomal dominant inheritance. Affected: yes.

Dr. Peter K. Rogan Lab, Western University
No classification provided (evidence only). Condition: Hepatocellular carcinoma. Review status: no classification provided. Collection method: in vitro. Allele origin: not applicable. Functional consequence: retained intron. Not counted in ClinVar's aggregate classification.

Dr. Peter K. Rogan Lab, Western University
No classification provided (evidence only). Condition: Uterine carcinosarcoma. Review status: no classification provided. Collection method: in vitro. Allele origin: not applicable. Functional consequence: retained intron. Not counted in ClinVar's aggregate classification.

Dr. Peter K. Rogan Lab, Western University
No classification provided (evidence only). Condition: Uterine carcinosarcoma. Review status: no classification provided. Collection method: in vitro. Allele origin: not applicable. Functional consequence: retained intron. Not counted in ClinVar's aggregate classification.

Dr. Peter K. Rogan Lab, Western University
No classification provided (evidence only). Condition: Uterine carcinosarcoma. Review status: no classification provided. Collection method: in vitro. Allele origin: not applicable. Functional consequence: retained intron. Not counted in ClinVar's aggregate classification.

Dr. Peter K. Rogan Lab, Western University
No classification provided (evidence only). Condition: Uterine carcinosarcoma. Review status: no classification provided. Collection method: in vitro. Allele origin: not applicable. Functional consequence: retained intron. Not counted in ClinVar's aggregate classification.